The following is an entry in ClinVar:

ClinVar aggregate classification (germline): Pathogenic. Review status: reviewed by expert panel (3 of 4 stars). 5 submissions from 5 submitters: Pathogenic (1). 4 of the submissions do not count toward it. Last evaluated 2016-10-18.

Conditions:
Hereditary cancer-predisposing syndrome. Also called: Hereditary Cancer Syndrome; Hereditary neoplastic syndrome; Neoplastic Syndromes, Hereditary; Tumor predisposition. Identifiers: Orphanet 140162, MedGen C0027672, MeSH D009386, MONDO:0015356.
Breast-ovarian cancer, familial, susceptibility to, 1 (BROVCA1). Also called: BRCA1 Hereditary Breast and Ovarian Cancer; OVARIAN CANCER, SUSCEPTIBILITY TO. Identifiers: Orphanet 145, MedGen C2676676, MONDO:0011450, OMIM 604370. Disease mechanism: loss of function.

Submissions (5):

Evidence-based Network for the Interpretation of Germline Mutant Alleles (ENIGMA)
Classification: Pathogenic for Breast-ovarian cancer, familial, susceptibility to, 1. Last evaluated: 2016-10-18. Review status: reviewed by expert panel. Criteria: ENIGMA BRCA1/2 Classification Criteria (2015). Collection method: curation. Allele origin: germline.
Comment: Variant allele predicted to encode a truncated non-functional protein.

Baylor Genetics
Classification: Pathogenic for Breast-ovarian cancer, familial, susceptibility to, 1. Last evaluated: 2023-11-22. Review status: criteria provided, single submitter. Criteria: ACMG Guidelines, 2015. Collection method: clinical testing. Allele origin: unknown. Not counted in ClinVar's aggregate classification.

Color Diagnostics, LLC DBA Color Health
Classification: Pathogenic for Hereditary cancer-predisposing syndrome. Last evaluated: 2021-01-25. Review status: criteria provided, single submitter. Criteria: ACMG Guidelines, 2015. Collection method: clinical testing. Allele origin: germline. Not counted in ClinVar's aggregate classification.
Comment: This variant changes 1 nucleotide in exon 10 of the BRCA1 gene, creating a premature translation stop signal. This variant is expected to result in an absent or non-functional protein product. This variant has been detected in at least two individuals affected breast and ovarian cancer (PMID: 28744749; LOVD individual #00157046 and BIC accession number 18294). This variant has not been identified in the general population by the Genome Aggregation Database (gnomAD). Loss of BRCA1 function is a known mechanism of disease. Based on the available evidence, this variant is classified as Pathogenic.

Quest Diagnostics Nichols Institute San Juan Capistrano
Classification: Pathogenic for Breast-ovarian cancer, familial, susceptibility to, 1. Last evaluated: 2016-03-17. Review status: criteria provided, single submitter. Criteria: Quest Diagnostics criteria. Collection method: clinical testing. Allele origin: germline. Inheritance: Autosomal dominant inheritance. Not counted in ClinVar's aggregate classification.

Consortium of Investigators of Modifiers of BRCA1/2 (CIMBA), c/o University of Cambridge
Classification: Pathogenic for Breast-ovarian cancer, familial, susceptibility to, 1. Last evaluated: 2015-10-02. Review status: criteria provided, single submitter. Criteria: CIMBA Mutation Classification guidelines May 2016. Collection method: clinical testing. Allele origin: germline. Not counted in ClinVar's aggregate classification.

Literature cited by the submitters: PubMed 20858050 (cited by Quest Diagnostics Nichols Institute San Juan Capistrano); PubMed 26295337 (cited by Quest Diagnostics Nichols Institute San Juan Capistrano).

NM_007294.4(BRCA1):c.848T>G (p.Leu283Ter)

Gene: BRCA1 (BRCA1 DNA repair associated; minus strand). Cytogenetic location: 17q21.31.
Variant type: single nucleotide variant.
Coding change: c.848T>G on transcript NM_007294.4 (MANE Select); coding-DNA position 848, T replaced by G.
Protein change: p.Leu283Ter; replaces leucine 283 with a stop codon.
Molecular consequence: nonsense. On other transcripts: 5 prime UTR variant (2), intron variant (137).
Genome position (GRCh38, 1-based): chr17:43,094,683, A>C on the plus strand (T>G on the coding strand, the complement: BRCA1 is on the minus strand). VCF-style: chr17-43094683-A-C. GRCh37 (hg19) VCF-style: chr17-41246700-A-C.
Other names: 967T>G; c.635T>G, p.Leu212Ter (NM_001407571.1, NM_001407853.1, NM_001407894.1 and 9 more transcripts); c.848T>G, p.Leu283Ter (NM_001407581.1, NM_001407582.1, NM_001407583.1 and 30 more transcripts); c.845T>G, p.Leu282Ter (NM_001407587.1, NM_001407590.1, NM_001407591.1 and 22 more transcripts); c.839T>G, p.Leu280Ter (NM_001407646.1, NM_001407647.1); c.767T>G, p.Leu256Ter (NM_001407659.1, NM_001407660.1, NM_001407661.1 and 1 more transcripts); c.770T>G, p.Leu257Ter (NM_001407663.1, NM_001407653.1, NM_001407654.1 and 4 more transcripts); c.725T>G, p.Leu242Ter (NM_001407664.1, NM_001407665.1, NM_001407666.1 and 19 more transcripts); and 41 more; short protein forms L283*, L236*, L195*, L215*, L115*, L155*, L171*, L212*.
Identifiers: ClinVar variation 55737 (VCV000055737.11), dbSNP rs273902792, ClinGen allele CA003938.